The following is an entry in ClinVar:

ClinVar aggregate classification (germline): Pathogenic (1 of 4 stars; one submission).

Conditions:
Duchenne muscular dystrophy (DMD). Also called: Duchenne Muscular Dystrophy (DMD); MUSCULAR DYSTROPHY, PSEUDOHYPERTROPHIC PROGRESSIVE, DUCHENNE TYPE. Identifiers: Orphanet 98896, MedGen C0013264, MONDO:0010679, OMIM 310200.

Submission:

Labcorp Genetics (formerly Invitae), Labcorp
Classification: Pathogenic for Duchenne muscular dystrophy. Last evaluated: 2023-08-21. Review status: criteria provided, single submitter. Criteria: Invitae Variant Classification Sherloc (09022015). Collection method: clinical testing. Allele origin: germline.
Comment: For these reasons, this variant has been classified as Pathogenic. This variant disrupts a region of the DMD protein in which other variant(s) (deletion of exons 19-23) have been determined to be pathogenic (Invitae). This suggests that this is a clinically significant region of the protein, and that variants that disrupt it are likely to be disease-causing. A similar copy number variant has been observed in individual(s) with clinical features of DMD-related conditions (PMID: 18054699, 25937795). This variant is a gross deletion of the genomic region encompassing exon(s) 10-23 of the DMD gene. This variant would be expected to be in-frame, preserving the integrity of the reading frame.

Literature cited by the submitters: PubMed 18054699; PubMed 25937795.

NC_000023.10:g.(?_32486595)_(32663289_?)del

Gene: DMD (dystrophin; minus strand). Cytogenetic location: Xp21.1.
Variant type: Deletion.
Identifiers: ClinVar variation 1459718 (VCV001459718.5).